The following is an entry in ClinVar:

NM_003001.5(SDHC):c.426C>T (p.Gly142=)

Gene: SDHC (succinate dehydrogenase complex subunit C; plus strand). Cytogenetic location: 1q23.3.
Variant type: single nucleotide variant.
Coding change: c.426C>T on transcript NM_003001.5 (MANE Select); coding-DNA position 426, C replaced by T.
Protein change: p.Gly142=; no amino-acid change (glycine 142 retained).
Molecular consequence: synonymous variant. On other transcripts: missense variant (3), non-coding transcript variant (1).
Genome position (GRCh38, 1-based): chr1:161,362,349, C>T. VCF-style: chr1-161362349-C-T. GRCh37 (hg19) VCF-style: chr1-161332139-C-T.
Other names: c.262C>T, p.Pro88Ser (NM_001035511.3); c.324C>T, p.Gly108= (NM_001035512.3); c.267C>T, p.Gly89= (NM_001035513.3); c.160C>T, p.Pro54Ser (NM_001278172.3); c.546C>T, p.Gly182= (NM_001407115.1); c.369C>T, p.Gly123= (NM_001407116.1); c.363C>T, p.Gly121= (NM_001407117.1); c.318C>T, p.Gly106= (NM_001407118.1); and 2 more; short protein forms P54S, P69S, P88S.
Identifiers: ClinVar variation 2631165 (VCV002631165.5), dbSNP rs2102385111, ClinGen allele CA343457630.

ClinVar aggregate classification (germline): Conflicting classifications of pathogenicity. Review status: criteria provided, conflicting classifications (1 of 4 stars). 3 submissions from 3 submitters: Uncertain significance (1); Likely benign (2). Last evaluated 2025-10-25.

Conditions:
Gastrointestinal stromal tumor. Also called: Gastrointestinal stromal tumor, somatic; Gastrointestinal stroma tumor. Identifiers: Orphanet 44890, MedGen C0238198, MeSH D046152, MONDO:0011719, OMIM 606764, HP:0100723.
Pheochromocytoma/paraganglioma syndrome 3. Also called: GLOMUS TUMORS, FAMILIAL, 3; Paragangliomas 3; SDHC-Related Hereditary Paraganglioma-Pheochromocytoma Syndrome (Paragangliomas 3); SDHC-Related Hereditary Paraganglioma-Pheochromocytoma Syndrome. Identifiers: Orphanet 29072, MedGen C1854336, MONDO:0011544, OMIM 605373.
Hereditary cancer-predisposing syndrome. Also called: Neoplastic Syndromes, Hereditary; Hereditary neoplastic syndrome; Tumor predisposition; Hereditary Cancer Syndrome. Identifiers: Orphanet 140162, MedGen C0027672, MeSH D009386, MONDO:0015356.
SDHC-related disorder. Also called: SDHC-related condition.

Submissions (3):

Labcorp Genetics (formerly Invitae), Labcorp
Classification: Likely benign for Pheochromocytoma/paraganglioma syndrome 3; Gastrointestinal stromal tumor. Last evaluated: 2025-10-25. Review status: criteria provided, single submitter. Criteria: Invitae Variant Classification Sherloc (09022015). Collection method: clinical testing. Allele origin: germline.

Ambry Genetics
Classification: Likely benign for Hereditary cancer-predisposing syndrome. Last evaluated: 2025-08-26. Review status: criteria provided, single submitter. Criteria: Ambry Variant Classification Scheme 2023. Collection method: clinical testing. Allele origin: germline.

PreventionGenetics, part of Exact Sciences
Classification: Uncertain significance for SDHC-related condition. Last evaluated: 2023-08-25. Review status: criteria provided, single submitter. Criteria: ACMG Guidelines, 2015. Collection method: clinical testing. Allele origin: germline.
Comment: The SDHC c.160C>T variant is predicted to result in the amino acid substitution p.Pro54Ser. This variant corresponds to a synonymous change in the primary transcript for this gene (NM_003001.3:c.426C>T, p.=). To our knowledge, this variant has not been reported in the literature or in a large population database, indicating this variant is rare. At this time, the clinical significance of this variant is uncertain due to the absence of conclusive functional and genetic evidence.